The following is an entry in ClinVar:

ClinVar aggregate classification (germline): Benign. Review status: criteria provided, multiple submitters, no conflicts (2 of 4 stars). 2 submissions from 2 submitters: Benign (2). Last evaluated 2018-06-14.

Allele frequency attached by ClinVar (database versions not stated): gnomAD exomes 0.98469; gnomAD 0.98692 and 0.98693; TOPMed 0.98898; 1000 Genomes Project 0.99381; 1000 Genomes Project 30x 0.99391.
gnomAD v4.1: 395,802 of 401,580 alleles (99%); highest among the groups gnomAD compares: East Asian, 100%; 195,075 homozygotes.

Submissions (2):

GeneDx
Classification: Benign. Last evaluated: 2018-06-14. Review status: criteria provided, single submitter. Criteria: GeneDx Variant Classification (06012015). Collection method: clinical testing. Allele origin: germline. Affected: yes.
Comment: This variant is considered likely benign or benign based on one or more of the following criteria: it is a conservative change, it occurs at a poorly conserved position in the protein, it is predicted to be benign by multiple in silico algorithms, and/or has population frequency not consistent with disease.

Breakthrough Genomics
Classification: Benign. Review status: criteria provided, single submitter. Criteria: ACMG Guidelines, 2015. Collection method: not provided. Allele origin: germline. Inheritance: Autosomal dominant inheritance. Affected: yes.

NM_005359.6(SMAD4):c.1140-256G>A

Gene: SMAD4 (SMAD family member 4; plus strand). Cytogenetic location: 18q21.2.
Variant type: single nucleotide variant.
Coding change: c.1140-256G>A on transcript NM_005359.6 (MANE Select); 256 bases into the intron before coding-DNA position 1140, G replaced by A.
Molecular consequence: intron variant.
Genome position (GRCh38, 1-based): chr18:51,066,763, G>A. VCF-style: chr18-51066763-G-A. GRCh37 (hg19) VCF-style: chr18-48593133-G-A.
Identifiers: ClinVar variation 680784 (VCV000680784.2), dbSNP rs2509999, ClinGen allele CA300091664.